The following is an entry in ClinVar:

NM_004329.3(BMPR1A):c.1477C>T (p.Leu493=)

Gene: BMPR1A (bone morphogenetic protein receptor type 1A; plus strand). Cytogenetic location: 10q23.2.
Variant type: single nucleotide variant.
Coding change: c.1477C>T on transcript NM_004329.3 (MANE Select); coding-DNA position 1477, C replaced by T.
Protein change: p.Leu493=; no amino-acid change (leucine 493 retained).
Molecular consequence: synonymous variant.
Genome position (GRCh38, 1-based): chr10:86,923,597, C>T. VCF-style: chr10-86923597-C-T. GRCh37 (hg19) VCF-style: chr10-88683354-C-T.
Identifiers: ClinVar variation 1555843 (VCV001555843.9), dbSNP rs2133623926, ClinGen allele CA470308796.
Genomic context (GRCh38, chr10:86,923,597, plus strand): 5'-ATTCGTAAATGCCACCAAATATATTCTCTGCTCACTGAACATCTCTTTACTTTTCAGTGT[C>T]TACGAGCAGTTTTGAAGCTAATGTCAGAATGCTGGGCCCACAATCCAGCCTCCAGACTCA-3'
Protein context (NP_004320.2, residues 483-503): VSNRWNSDEC[Leu493=]RAVLKLMSEC

ClinVar aggregate classification (germline): Benign/Likely benign. Review status: criteria provided, multiple submitters, no conflicts (2 of 4 stars). 2 submissions from 2 submitters: Benign (1); Likely benign (1). Last evaluated 2024-08-08.

Conditions:
Juvenile polyposis syndrome (JPS). Identifiers: Orphanet 2929, MedGen C0345893, MONDO:0017380, OMIM 174900.

Submissions (2):

Myriad Genetics, Inc.
Classification: Benign for Juvenile polyposis syndrome. Last evaluated: 2024-08-08. Review status: criteria provided, single submitter. Criteria: Myriad Autosomal Dominant, Autosomal Recessive and X-Linked Classification Criteria (2023). Collection method: clinical testing. Allele origin: unknown.
Comment: This variant is considered benign. This variant is a silent/synonymous amino acid change and it is not expected to impact splicing.

Labcorp Genetics (formerly Invitae), Labcorp
Classification: Likely benign for Juvenile polyposis syndrome. Last evaluated: 2021-05-01. Review status: criteria provided, single submitter. Criteria: Invitae Variant Classification Sherloc (09022015). Collection method: clinical testing. Allele origin: germline.